The following is an entry in ClinVar:

ClinVar aggregate classification (germline): Uncertain significance (1 of 4 stars; one submission).

Submission:

Labcorp Genetics (formerly Invitae), Labcorp
Classification: Uncertain significance. Last evaluated: 2023-01-10. Review status: criteria provided, single submitter. Criteria: Invitae Variant Classification Sherloc (09022015). Collection method: clinical testing. Allele origin: germline.
Comment: Advanced modeling of protein sequence and biophysical properties (such as structural, functional, and spatial information, amino acid conservation, physicochemical variation, residue mobility, and thermodynamic stability) performed at Invitae indicates that this missense variant is not expected to disrupt VPS13A protein function. This variant has not been reported in the literature in individuals affected with VPS13A-related conditions. This variant is not present in population databases (gnomAD no frequency). This sequence change replaces histidine, which is basic and polar, with tyrosine, which is neutral and polar, at codon 2212 of the VPS13A protein (p.His2212Tyr). In summary, the available evidence is currently insufficient to determine the role of this variant in disease. Therefore, it has been classified as a Variant of Uncertain Significance.

NM_033305.3(VPS13A):c.6634C>T (p.His2212Tyr)

Gene: VPS13A (vacuolar protein sorting 13 homolog A; plus strand). Cytogenetic location: 9q21.2.
Variant type: single nucleotide variant.
Coding change: c.6634C>T on transcript NM_033305.3 (MANE Select); coding-DNA position 6634, C replaced by T.
Protein change: p.His2212Tyr; replaces histidine 2212 with tyrosine.
Molecular consequence: missense variant.
Genome position (GRCh38, 1-based): chr9:77,339,771, C>T. VCF-style: chr9-77339771-C-T. GRCh37 (hg19) VCF-style: chr9-79954687-C-T.
Other names: c.6517C>T, p.His2173Tyr (NM_001018037.2); c.6634C>T, p.His2212Tyr (NM_001018038.3, NM_015186.4); short protein forms H2212Y, H2173Y.
Identifiers: ClinVar variation 3004146 (VCV003004146.3), dbSNP rs2538076311, ClinGen allele CA373851257.